The following is an entry in ClinVar:

ClinVar aggregate classification (germline): Likely pathogenic (1 of 4 stars; one submission).

Conditions:
Alpers-like hepatocerebral syndrome.

Submission:

Laboratory of Inherited Metabolic Diseases, Research centre for medical genetics
Classification: Likely pathogenic for Alpers-like hepatocerebral syndrome. Last evaluated: 2019-07-17. Review status: criteria provided, single submitter. Criteria: ACMG Guidelines, 2015. Collection method: clinical testing. Allele origin: paternal. Inheritance: Autosomal recessive inheritance. Affected: yes.
Comment: severe mtDNA depletion in blood

found in compound heterozygous with c.3218C>T (p.Pro1073Leu)

NM_002693.3(POLG):c.3522C>A (p.Pro1174=)

Genes: POLG (DNA polymerase gamma, catalytic subunit; minus strand), POLGARF (POLG alternative reading frame; minus strand). Cytogenetic location: 15q26.1.
Variant type: single nucleotide variant.
Coding change: c.3522C>A on transcript NM_002693.3 (MANE Select); coding-DNA position 3522, C replaced by A.
Protein change: p.Pro1174=; no amino-acid change (proline 1174 retained).
Molecular consequence: synonymous variant.
Genome position (GRCh38, 1-based): chr15:89,317,497, G>T on the plus strand (C>A on the coding strand, the complement: POLG is on the minus strand). VCF-style: chr15-89317497-G-T. GRCh37 (hg19) VCF-style: chr15-89860728-G-T.
Other names: c.3522C>A, p.Pro1174= (NM_001126131.2).
Identifiers: ClinVar variation 694422 (VCV000694422.1), dbSNP rs751676137, ClinGen allele CA492070754.